The following is an entry in ClinVar:

ClinVar aggregate classification (germline): Likely pathogenic (1 of 4 stars; one submission).

Conditions:
Peroxisome biogenesis disorder. Identifiers: Orphanet 79189, MedGen C1832200, MONDO:0019234. Disease mechanism: loss of function.

Submission:

Myriad Genetics, Inc.
Classification: Likely pathogenic for Peroxisome biogenesis disorder. Last evaluated: 2026-02-05. Review status: criteria provided, single submitter. Criteria: Myriad Autosomal Dominant, Autosomal Recessive and X-Linked Classification Criteria (2023). Collection method: clinical testing. Allele origin: unknown.
Comment: NM_000466.2(PEX1):c.1804-2A>G is a variant in a canonical splice site classified as likely pathogenic in the context of peroxisome biogenesis disorder type 1. c.1804-2A>G has not been observed in cases with relevant disease. Relevant functional assessments of this variant are not available in the literature. c.1804-2A>G has not been observed in referenced population frequency databases. In summary, NM_000466.2(PEX1):c.1804-2A>G is a variant in a canonical splice site in a gene where loss of function is a known mechanism of disease and is predicted to disrupt protein function. Please note: this variant was assessed in the context of healthy population screening.

NM_000466.3(PEX1):c.1804-2A>G

Gene: PEX1 (peroxisomal biogenesis factor 1; minus strand). Cytogenetic location: 7q21.2.
Variant type: single nucleotide variant.
Coding change: c.1804-2A>G on transcript NM_000466.3 (MANE Select); the canonical splice acceptor site of the intron before coding-DNA position 1804, A replaced by G.
Molecular consequence: splice acceptor variant.
Genome position (GRCh38, 1-based): chr7:92,506,346, T>C on the plus strand (A>G on the coding strand, the complement: PEX1 is on the minus strand). VCF-style: chr7-92506346-T-C. GRCh37 (hg19) VCF-style: chr7-92135660-T-C.
Other names: c.1804-2A>G (NM_001282677.2); c.1180-2A>G (NM_001282678.2).
Identifiers: ClinVar variation 5004349 (VCV005004349.1).
Genomic context (GRCh38, chr7:92,506,346, plus strand): 5'-TCCAGTTTGTCAAATGCTTCTTTACAGATTGCTTTGGCTAAAGTTGATTTTCCACTTCCC[T>C]AGAAAATAATTGCTTTATAGGAATTCCCAATATATTCAGTCACAGAAATAGTTCCTGTCA-3'